The following is an entry in ClinVar:

NM_000038.6(APC):c.3654G>T (p.Thr1218=)

Gene: APC (APC regulator of Wnt signaling pathway; plus strand). Cytogenetic location: 5q22.2.
Variant type: single nucleotide variant.
Coding change: c.3654G>T on transcript NM_000038.6 (MANE Select); coding-DNA position 3654, G replaced by T.
Protein change: p.Thr1218=; no amino-acid change (threonine 1218 retained).
Molecular consequence: synonymous variant.
Genome position (GRCh38, 1-based): chr5:112,839,248, G>T. VCF-style: chr5-112839248-G-T. GRCh37 (hg19) VCF-style: chr5-112174945-G-T.
Other names: c.3654G>T, p.Thr1218= (NM_001127510.3, NM_001354895.2); c.3600G>T, p.Thr1200= (NM_001127511.3); c.3708G>T, p.Thr1236= (NM_001354896.2); c.3684G>T, p.Thr1228= (NM_001354897.2); c.3579G>T, p.Thr1193= (NM_001354898.2); c.3570G>T, p.Thr1190= (NM_001354899.2); c.3531G>T, p.Thr1177= (NM_001354900.2); c.3477G>T, p.Thr1159= (NM_001354901.2); and 5 more.
Identifiers: ClinVar variation 824033 (VCV000824033.14), dbSNP rs772743023, ClinGen allele CA036131.
Genomic context (GRCh38, chr5:112,839,248, plus strand): 5'-AAAGAGTTCATCTGGACAAAGCAGTAAAACCGAACATATGTCTTCAAGCAGTGAGAATAC[G>T]TCCACACCTTCATCTAATGCCAAGAGGCAGAATCAGCTCCATCCAAGTTCTGCACAGAGT-3'
Protein context (NP_000029.2, residues 1208-1228): TEHMSSSSEN[Thr1218=]STPSSNAKRQ

ClinVar aggregate classification (germline): Benign/Likely benign. Review status: criteria provided, multiple submitters, no conflicts (2 of 4 stars). 3 submissions from 3 submitters: Benign (1); Likely benign (2). Last evaluated 2025-11-22.

Conditions:
Hereditary cancer-predisposing syndrome. Also called: Neoplastic Syndromes, Hereditary; Tumor predisposition; Hereditary neoplastic syndrome; Hereditary Cancer Syndrome. Identifiers: Orphanet 140162, MedGen C0027672, MeSH D009386, MONDO:0015356.
Familial adenomatous polyposis 1 (FAP1). Also called: POLYPOSIS, ADENOMATOUS INTESTINAL; FAMILIAL ADENOMATOUS POLYPOSIS 1, ATTENUATED. Identifiers: MedGen C2713442, MONDO:0021056, OMIM 175100. Disease mechanism: loss of function.

Allele frequency attached by ClinVar (database versions not stated): ExAC 0.00001; TOPMed 0.00002.
gnomAD v4.1: 2 of 1,614,012 alleles (0.00012%); highest among the groups gnomAD compares: African/African-American, 0.0013%; no homozygotes.

Submissions (3):

Labcorp Genetics (formerly Invitae), Labcorp
Classification: Likely benign for Familial adenomatous polyposis 1. Last evaluated: 2025-11-22. Review status: criteria provided, single submitter. Criteria: Invitae Variant Classification Sherloc (09022015). Collection method: clinical testing. Allele origin: germline.

Myriad Genetics, Inc.
Classification: Benign for Familial adenomatous polyposis 1. Last evaluated: 2024-03-21. Review status: criteria provided, single submitter. Criteria: Myriad Autosomal Dominant, Autosomal Recessive and X-Linked Classification Criteria (2023). Collection method: clinical testing. Allele origin: unknown.
Comment: This variant is considered benign. This variant is a silent/synonymous amino acid change and it is not expected to impact splicing.

Ambry Genetics
Classification: Likely benign for Hereditary cancer-predisposing syndrome. Last evaluated: 2018-10-10. Review status: criteria provided, single submitter. Criteria: Ambry Variant Classification Scheme 2023. Collection method: clinical testing. Allele origin: germline.